The following is an entry in ClinVar:

ClinVar aggregate classification (germline): Uncertain significance (1 of 4 stars; one submission).

Allele frequency attached by ClinVar (database versions not stated): gnomAD 0.00001; gnomAD exomes 0.00001 and 0.00003; TOPMed 0.00002; ExAC 0.00004; ESP Exome Variant Server 0.00008.
gnomAD v4.1: 22 of 1,613,970 alleles (0.0014%); highest among the groups gnomAD compares: Admixed American, 0.012%; no homozygotes.

Submission:

Labcorp Genetics (formerly Invitae), Labcorp
Classification: Uncertain significance. Last evaluated: 2023-10-05. Review status: criteria provided, single submitter. Criteria: Invitae Variant Classification Sherloc (09022015). Collection method: clinical testing. Allele origin: germline.
Comment: This sequence change replaces alanine, which is neutral and non-polar, with valine, which is neutral and non-polar, at codon 270 of the LEMD3 protein (p.Ala270Val). This variant is present in population databases (rs147082719, gnomAD 0.01%). This variant has not been reported in the literature in individuals affected with LEMD3-related conditions. ClinVar contains an entry for this variant (Variation ID: 1470628). Advanced modeling of protein sequence and biophysical properties (such as structural, functional, and spatial information, amino acid conservation, physicochemical variation, residue mobility, and thermodynamic stability) performed at Invitae indicates that this missense variant is not expected to disrupt LEMD3 protein function. In summary, the available evidence is currently insufficient to determine the role of this variant in disease. Therefore, it has been classified as a Variant of Uncertain Significance.

NM_014319.5(LEMD3):c.809C>T (p.Ala270Val)

Gene: LEMD3 (LEM domain containing 3; plus strand). Cytogenetic location: 12q14.3.
Variant type: single nucleotide variant.
Coding change: c.809C>T on transcript NM_014319.5 (MANE Select); coding-DNA position 809, C replaced by T.
Protein change: p.Ala270Val; replaces alanine 270 with valine.
Molecular consequence: missense variant.
Genome position (GRCh38, 1-based): chr12:65,170,405, C>T. VCF-style: chr12-65170405-C-T. GRCh37 (hg19) VCF-style: chr12-65564185-C-T.
Other names: c.809C>T, p.Ala270Val (NM_001167614.2); short protein forms A270V.
Identifiers: ClinVar variation 1470628 (VCV001470628.6), dbSNP rs147082719, ClinGen allele CA6670766.